The following is an entry in ClinVar:

NM_000051.4(ATM):c.6199-2A>C

Genes: ATM (ATM serine/threonine kinase; plus strand), C11orf65 (chromosome 11 open reading frame 65; minus strand). Cytogenetic location: 11q22.3.
Variant type: single nucleotide variant.
Coding change: c.6199-2A>C on transcript NM_000051.4 (MANE Select); the canonical splice acceptor site of the intron before coding-DNA position 6199, A replaced by C.
Molecular consequence: splice acceptor variant. On other transcripts: intron variant (2).
Genome position (GRCh38, 1-based): chr11:108,317,371, A>C. VCF-style: chr11-108317371-A-C. GRCh37 (hg19) VCF-style: chr11-108188098-A-C.
Other names: c.6199-2A>C (NM_001351834.2); c.641-8300T>G (NM_001330368.2); c.*39-8300T>G (NM_001351110.2).
Identifiers: ClinVar variation 934134 (VCV000934134.9), dbSNP rs1060501570, ClinGen allele CA382550996.

ClinVar aggregate classification (germline): Pathogenic/Likely pathogenic. Review status: criteria provided, multiple submitters, no conflicts (2 of 4 stars). 2 submissions from 2 submitters: Pathogenic (1); Likely pathogenic (1). Last evaluated 2026-03-17.

Conditions:
Hereditary cancer-predisposing syndrome. Also called: Tumor predisposition; Neoplastic Syndromes, Hereditary; Hereditary neoplastic syndrome; Hereditary Cancer Syndrome. Identifiers: Orphanet 140162, MedGen C0027672, MeSH D009386, MONDO:0015356.
Ataxia-telangiectasia syndrome (AT). Also called: Ataxia-telangiectasia, complementation group D; AT, COMPLEMENTATION GROUP C; ATAXIA-TELANGIECTASIA, COMPLEMENTATION GROUP A; ATAXIA-TELANGIECTASIA, FRESNO VARIANT; Ataxia-telangiectasia; Ataxia telangiectasia (A-T). Identifiers: Orphanet 100, MedGen C0004135, MONDO:0008840, OMIM 208900.

Submissions (2):

Ambry Genetics
Classification: Likely pathogenic for Hereditary cancer-predisposing syndrome. Last evaluated: 2026-03-17. Review status: criteria provided, single submitter. Criteria: Ambry Variant Classification Scheme 2023. Collection method: clinical testing. Allele origin: germline.
Comment: The c.6199-2A>C intronic variant results from an A to C substitution two nucleotides upstream from coding exon 42 in the ATM gene. This nucleotide position is highly conserved in available vertebrate species. In silico splice site analysis predicts that this alteration will weaken the native splice acceptor site and will result in the creation or strengthening of a novel splice acceptor site. This variant is considered to be rare based on population cohorts in the Genome Aggregation Database (gnomAD). Based on the majority of available evidence to date, this variant is likely to be pathogenic.

Labcorp Genetics (formerly Invitae), Labcorp
Classification: Pathogenic for Ataxia-telangiectasia syndrome. Last evaluated: 2022-10-28. Review status: criteria provided, single submitter. Criteria: Invitae Variant Classification Sherloc (09022015). Collection method: clinical testing. Allele origin: germline.
Comment: For these reasons, this variant has been classified as Pathogenic. This variant disrupts a region of the ATM protein in which other variant(s) (p.Ala2067Asp) have been determined to be pathogenic (PMID: 9887333, 22345219, 25914063; Invitae). This suggests that this is a clinically significant region of the protein, and that variants that disrupt it are likely to be disease-causing. Studies have shown that disruption of this splice site results in the activation of a cryptic splice site in exon 43 (PMID: 9450906). ClinVar contains an entry for this variant (Variation ID: 934134). This variant has not been reported in the literature in individuals affected with ATM-related conditions. This variant is not present in population databases (gnomAD no frequency). This sequence change affects an acceptor splice site in intron 42 of the ATM gene. RNA analysis indicates that disruption of this splice site induces altered splicing and likely results in the loss of 3 amino acid residue(s), but is expected to preserve the integrity of the reading-frame.

Literature cited by the submitters: PubMed 9887333 (cited by Labcorp Genetics (formerly Invitae), Labcorp); PubMed 22345219 (cited by Labcorp Genetics (formerly Invitae), Labcorp); PubMed 25914063 (cited by Labcorp Genetics (formerly Invitae), Labcorp); PubMed 9450906 (cited by Labcorp Genetics (formerly Invitae), Labcorp).